The following is an entry in ClinVar:

ClinVar aggregate classification (germline): Uncertain significance (1 of 4 stars; one submission).

Conditions:
Leigh syndrome (NULS). Also called: Leigh's necrotizing encephalopathy; Leigh's disease; Leigh Syndrome (mtDNA deletion); Leigh Disease; Subacute necrotizing encephalopathy; Necrotizing encephalopathy infantile subacute of Leigh. Identifiers: Orphanet 506, MedGen C2931891, MONDO:0009723, OMIM 256000.

Submission:

Wong Mito Lab, Molecular and Human Genetics, Baylor College of Medicine
Classification: Uncertain significance for Leigh syndrome. Last evaluated: 2019-10-17. Review status: criteria provided, single submitter. Criteria: Modified ACMG Guidelines (Unpublished). Collection method: clinical testing. Allele origin: germline.
Comment: The NC_012920.1:m.3775A>T (YP_003024026.1:p.Ser157Cys) variant in MTND1 gene is interpretated to be a Uncertain Significance variant based on the modified ACMG guidelines (unpublished). This variant meets the following evidence codes: PP7, BP6

NC_012920.1(MT-ND1):m.3775A>T

Gene: MT-ND1 (mitochondrially encoded NADH dehydrogenase 1; plus strand).
Variant type: single nucleotide variant.
Genome position: chrM-3775-A-T.
Identifiers: ClinVar variation 692400 (VCV000692400.1), dbSNP rs1603219137, ClinGen allele CA414773482.